The following is an entry in ClinVar:

NM_002693.3(POLG):c.3511A>C (p.Asn1171His)

Gene: POLG (DNA polymerase gamma, catalytic subunit; minus strand). Cytogenetic location: 15q26.1.
Variant type: single nucleotide variant.
Coding change: c.3511A>C on transcript NM_002693.3 (MANE Select); coding-DNA position 3511, A replaced by C.
Protein change: p.Asn1171His; replaces asparagine 1171 with histidine.
Molecular consequence: missense variant.
Genome position (GRCh38, 1-based): chr15:89,317,508, T>G on the plus strand (A>C on the coding strand, the complement: POLG is on the minus strand). VCF-style: chr15-89317508-T-G. GRCh37 (hg19) VCF-style: chr15-89860739-T-G.
Other names: c.3511A>C, p.Asn1171His (NM_001126131.2); short protein forms N1171H.
Identifiers: ClinVar variation 586361 (VCV000586361.7), dbSNP rs1567184138, ClinGen allele CA393748014.

ClinVar aggregate classification (germline): Uncertain significance. Review status: criteria provided, multiple submitters, no conflicts (2 of 4 stars). 3 submissions from 3 submitters: Uncertain significance (3). Last evaluated 2022-07-23.

Conditions:
Progressive sclerosing poliodystrophy (MTDPS4A). Also called: Mitochondrial DNA depletion syndrome 4A (Alpers type); Mitochondrial DNA Depletion Syndrome 4A; Alpers Syndrome; ALPERS DIFFUSE DEGENERATION OF CEREBRAL GRAY MATTER WITH HEPATIC CIRRHOSIS; Alpers-Huttenlocher Syndrome; ALPERS PROGRESSIVE INFANTILE POLIODYSTROPHY. Identifiers: Orphanet 726, MedGen C0205710, MONDO:0008758, OMIM 203700.

Allele frequency attached by ClinVar (database versions not stated): TOPMed 0.00002.

Submissions (3):

Labcorp Genetics (formerly Invitae), Labcorp
Classification: Uncertain significance for Progressive sclerosing poliodystrophy. Last evaluated: 2022-07-23. Review status: criteria provided, single submitter. Criteria: Invitae Variant Classification Sherloc (09022015). Collection method: clinical testing. Allele origin: germline.
Comment: This sequence change replaces asparagine, which is neutral and polar, with histidine, which is basic and polar, at codon 1171 of the POLG protein (p.Asn1171His). This variant is not present in population databases (gnomAD no frequency). This variant has not been reported in the literature in individuals affected with POLG-related conditions. ClinVar contains an entry for this variant (Variation ID: 586361). Algorithms developed to predict the effect of missense changes on protein structure and function output the following: SIFT: "Tolerated"; PolyPhen-2: "Benign"; Align-GVGD: "Class C0". The histidine amino acid residue is found in multiple mammalian species, which suggests that this missense change does not adversely affect protein function. In summary, the available evidence is currently insufficient to determine the role of this variant in disease. Therefore, it has been classified as a Variant of Uncertain Significance.

Athena Diagnostics
Classification: Uncertain significance. Last evaluated: 2018-06-14. Review status: criteria provided, single submitter. Criteria: Athena Diagnostics Criteria. Collection method: clinical testing. Allele origin: germline.

Eurofins Ntd Llc (ga)
Classification: Uncertain significance. Last evaluated: 2018-01-29. Review status: criteria provided, single submitter. Criteria: EGL Classification Definitions 2015. Collection method: clinical testing. Allele origin: germline. Observed: 1 variant allele, 1 heterozygote.